The following is an entry in ClinVar:

ClinVar aggregate classification (germline): Conflicting classifications of pathogenicity. Review status: criteria provided, conflicting classifications (1 of 4 stars). 4 submissions from 4 submitters: Uncertain significance (3); Likely benign (1). Last evaluated 2025-11-12.

Conditions:
Inborn genetic diseases. Identifiers: MedGen C0950123, MeSH D030342.

Allele frequency attached by ClinVar (database versions not stated): gnomAD 0.00021 and 0.00020; ExAC 0.00003; gnomAD exomes 0.00004 and 0.00006; ESP Exome Variant Server 0.00008; TOPMed 0.00019.
gnomAD v4.1: 92 of 1,613,458 alleles (0.0057%); highest among the groups gnomAD compares: African/African-American, 0.073%; no homozygotes.

Submissions (4):

Labcorp Genetics (formerly Invitae), Labcorp
Classification: Uncertain significance. Last evaluated: 2025-11-12. Review status: criteria provided, single submitter. Criteria: Invitae Variant Classification Sherloc (09022015). Collection method: clinical testing. Allele origin: germline.
Comment: This sequence change replaces asparagine, which is neutral and polar, with serine, which is neutral and polar, at codon 317 of the ACO2 protein (p.Asn317Ser). This variant is present in population databases (rs141739827, gnomAD 0.05%). This variant has not been reported in the literature in individuals affected with ACO2-related conditions. ClinVar contains an entry for this variant (Variation ID: 860849). Invitae Evidence Modeling of protein sequence and biophysical properties (such as structural, functional, and spatial information, amino acid conservation, physicochemical variation, residue mobility, and thermodynamic stability) indicates that this missense variant is not expected to disrupt ACO2 protein function with a negative predictive value of 80%. In summary, the available evidence is currently insufficient to determine the role of this variant in disease. Therefore, it has been classified as a Variant of Uncertain Significance.

Ambry Genetics
Classification: Uncertain significance for Inborn genetic diseases. Last evaluated: 2025-01-23. Review status: criteria provided, single submitter. Criteria: Ambry Variant Classification Scheme 2023. Collection method: clinical testing. Allele origin: germline.

Mayo Clinic Laboratories, Mayo Clinic
Classification: Uncertain significance. Last evaluated: 2023-02-16. Review status: criteria provided, single submitter. Criteria: ACMG Guidelines, 2015. Collection method: clinical testing. Allele origin: germline. Observed: 1 variant allele.
Comment: BP4

Blueprint Genetics
Classification: Likely benign. Last evaluated: 2022-09-01. Review status: criteria provided, single submitter. Criteria: ACMG Guidelines, 2015. Collection method: clinical testing. Allele origin: germline.

NM_001098.3(ACO2):c.950A>G (p.Asn317Ser)

Gene: ACO2 (aconitase 2; plus strand). Cytogenetic location: 22q13.2.
Variant type: single nucleotide variant.
Coding change: c.950A>G on transcript NM_001098.3 (MANE Select); coding-DNA position 950, A replaced by G.
Protein change: p.Asn317Ser; replaces asparagine 317 with serine.
Molecular consequence: missense variant.
Genome position (GRCh38, 1-based): chr22:41,518,490, A>G. VCF-style: chr22-41518490-A-G. GRCh37 (hg19) VCF-style: chr22-41914494-A-G.
Other names: p.Asn317Ser; short protein forms N317S.
Identifiers: ClinVar variation 860849 (VCV000860849.11), dbSNP rs141739827, ClinGen allele CA10257520.